The following is an entry in ClinVar:

NM_001276270.2(MBD4):c.267_335+60dup

Gene: MBD4 (methyl-CpG binding domain 4, DNA glycosylase; minus strand). Cytogenetic location: 3q21.3.
Variant type: Duplication.
Coding change: c.267_335+60dup on transcript NM_001276270.2 (MANE Select); coding-DNA position 267 through 60 bases into the intron after coding-DNA position 335, 129 bases duplicated.
Molecular consequence: splice donor variant. On other transcripts: intron variant (1).
Genome position (GRCh38, 1-based): chr3:129,437,660-129,437,788, 129 bases duplicated. GRCh37 (hg19): chr3:129,156,507-129,156,635.
Other names: c.247+20_247+148dup (NM_001276273.2); c.267_335+60dup (NM_001276272.2, NM_003925.3, NM_001276271.2).
Identifiers: ClinVar variation 3659979 (VCV003659979.2).

ClinVar aggregate classification (germline): Uncertain significance (1 of 4 stars; one submission).

Submission:

Labcorp Genetics (formerly Invitae), Labcorp
Classification: Uncertain significance. Last evaluated: 2025-06-09. Review status: criteria provided, single submitter. Criteria: Invitae Variant Classification Sherloc (09022015). Collection method: clinical testing. Allele origin: germline.
Comment: This sequence change falls in intron 2 of the MBD4 gene. It does not directly change the encoded amino acid sequence of the MBD4 protein. This variant is not present in population databases (gnomAD no frequency). This variant has not been reported in the literature in individuals affected with MBD4-related conditions. Experimental studies and prediction algorithms are not available or were not evaluated, and the effect of this variant on mRNA splicing is currently unknown. In summary, the available evidence is currently insufficient to determine the role of this variant in disease. Therefore, it has been classified as a Variant of Uncertain Significance.